The following is an entry in ClinVar:

ClinVar aggregate classification (germline): Uncertain significance. Review status: criteria provided, multiple submitters, no conflicts (2 of 4 stars). 3 submissions from 3 submitters: Uncertain significance (3). Last evaluated 2025-10-30.

Conditions:
Cardiovascular phenotype. Identifiers: MedGen CN230736.

Allele frequency attached by ClinVar (database versions not stated): gnomAD 0.00004; ExAC 0.00006; 1000 Genomes Project 30x 0.00016; 1000 Genomes Project 0.00020.
gnomAD v4.1: 194 of 1,550,112 alleles (0.013%); highest among the groups gnomAD compares: East Asian, 0.45%; 4 homozygotes.

Submissions (3):

Women's Health and Genetics/Laboratory Corporation of America, LabCorp
Classification: Uncertain significance. Last evaluated: 2025-10-30. Review status: criteria provided, single submitter. Criteria: LabCorp Variant Classification Summary - May 2015. Collection method: clinical testing. Allele origin: germline.
Comment: Variant summary: ZNF469 c.3920G>A (p.Gly1307Asp) results in a non-conservative amino acid change in the encoded protein sequence. Algorithms developed to predict the effect of missense changes on protein structure and function are either unavailable or do not agree on the potential impact of this missense change. The variant allele was found at a frequency of 6.6e-05 in 151030 control chromosomes. This frequency is not significantly higher than estimated for disease-causing variants in ZNF469, allowing no conclusion about variant significance. To our knowledge, no occurrence of c.3920G>A in individuals affected with ZNF469-related conditions and no experimental evidence demonstrating its impact on protein function have been reported. ClinVar contains an entry for this variant (Variation ID: 1735385). Based on the evidence outlined above, the variant was classified as uncertain significance.

Labcorp Genetics (formerly Invitae), Labcorp
Classification: Uncertain significance. Last evaluated: 2022-05-31. Review status: criteria provided, single submitter. Criteria: Invitae Variant Classification Sherloc (09022015). Collection method: clinical testing. Allele origin: germline.
Comment: This sequence change replaces glycine, which is neutral and non-polar, with aspartic acid, which is acidic and polar, at codon 1279 of the ZNF469 protein (p.Gly1279Asp). This variant is present in population databases (rs551317630, gnomAD 0.08%). This variant has not been reported in the literature in individuals affected with ZNF469-related conditions. Algorithms developed to predict the effect of missense changes on protein structure and function output the following: SIFT: "Tolerated"; PolyPhen-2: "Benign"; Align-GVGD: "Class C0". The aspartic acid amino acid residue is found in multiple mammalian species, which suggests that this missense change does not adversely affect protein function. In summary, the available evidence is currently insufficient to determine the role of this variant in disease. Therefore, it has been classified as a Variant of Uncertain Significance.

Ambry Genetics
Classification: Uncertain significance for Cardiovascular phenotype. Last evaluated: 2019-09-12. Review status: criteria provided, single submitter. Criteria: Ambry Variant Classification Scheme 2023. Collection method: clinical testing. Allele origin: germline.
Comment: The p.G1279D variant (also known as c.3836G>A), located in coding exon 2 of the ZNF469 gene, results from a G to A substitution at nucleotide position 3836. The glycine at codon 1279 is replaced by aspartic acid, an amino acid with similar properties. This amino acid position is poorly conserved in available vertebrate species. In addition, this alteration is predicted to be tolerated by in silico analysis. Since supporting evidence is limited at this time, the clinical significance of this alteration remains unclear.

NM_001367624.2(ZNF469):c.3920G>A (p.Gly1307Asp)

Gene: ZNF469 (zinc finger protein 469; plus strand). Cytogenetic location: 16q24.2.
Variant type: single nucleotide variant.
Coding change: c.3920G>A on transcript NM_001367624.2 (MANE Select); coding-DNA position 3920, G replaced by A.
Protein change: p.Gly1307Asp; replaces glycine 1307 with aspartic acid.
Molecular consequence: missense variant.
Genome position (GRCh38, 1-based): chr16:88,431,390, G>A. VCF-style: chr16-88431390-G-A. GRCh37 (hg19) VCF-style: chr16-88497798-G-A.
Other names: NM_001127464.1:c.3836G>A; short protein forms G1307D.
Identifiers: ClinVar variation 1735385 (VCV001735385.5), dbSNP rs551317630, ClinGen allele CA8224902.
Genomic context (GRCh38, chr16:88,431,390, plus strand): 5'-CGGCGCCCCACGGAAGCTCGCCAACGCCAGGTGTGGGCAGCCTGCTGGGTGGTCCTGGGG[G>A]CACACAGGCCCCAGTCTCCCACAACAGCAAGGACCCCCCTGCCCGCCAGCCTGGAGAATT-3'
Protein context (NP_001354553.1, residues 1297-1317): GVGSLLGGPG[Gly1307Asp]TQAPVSHNSK